The following is an entry in ClinVar:

ClinVar aggregate classification (germline): Uncertain significance (1 of 4 stars; one submission).

Submission:

Labcorp Genetics (formerly Invitae), Labcorp
Classification: Uncertain significance. Last evaluated: 2024-05-29. Review status: criteria provided, single submitter. Criteria: Invitae Variant Classification Sherloc (09022015). Collection method: clinical testing. Allele origin: germline.
Comment: This sequence change replaces alanine, which is neutral and non-polar, with threonine, which is neutral and polar, at codon 2005 of the CDH23 protein (p.Ala2005Thr). This variant is not present in population databases (gnomAD no frequency). This variant has not been reported in the literature in individuals affected with CDH23-related conditions. ClinVar contains an entry for this variant (Variation ID: 2175957). Advanced modeling of protein sequence and biophysical properties (such as structural, functional, and spatial information, amino acid conservation, physicochemical variation, residue mobility, and thermodynamic stability) performed at Invitae indicates that this missense variant is not expected to disrupt CDH23 protein function with a negative predictive value of 95%. In summary, the available evidence is currently insufficient to determine the role of this variant in disease. Therefore, it has been classified as a Variant of Uncertain Significance.

NM_022124.6(CDH23):c.6013G>A (p.Ala2005Thr)

Gene: CDH23 (cadherin related 23; plus strand). Cytogenetic location: 10q22.1.
Variant type: single nucleotide variant.
Coding change: c.6013G>A on transcript NM_022124.6 (MANE Select); coding-DNA position 6013, G replaced by A.
Protein change: p.Ala2005Thr; replaces alanine 2005 with threonine.
Molecular consequence: missense variant.
Genome position (GRCh38, 1-based): chr10:71,790,377, G>A. VCF-style: chr10-71790377-G-A. GRCh37 (hg19) VCF-style: chr10-73550134-G-A.
Other names: short protein forms A2005T.
Identifiers: ClinVar variation 2175957 (VCV002175957.4), dbSNP rs376752550, ClinGen allele CA377151004.